The following is an entry in ClinVar:

ClinVar aggregate classification (germline): Likely benign (0 of 4 stars; one submission).

Conditions:
PKLR-related disorder. Also called: PKLR-related condition.

Allele frequency attached by ClinVar (database versions not stated): gnomAD 0.00003; ExAC 0.00004; gnomAD exomes 0.00005; TOPMed 0.00005; ESP Exome Variant Server 0.00008.
gnomAD v4.1: 72 of 1,614,000 alleles (0.0045%); highest among the groups gnomAD compares: Non-Finnish European, 0.0057%; no homozygotes.

Submission:

PreventionGenetics, part of Exact Sciences
Classification: Likely benign for PKLR-related condition. Last evaluated: 2019-09-09. Review status: no assertion criteria provided. Collection method: clinical testing. Allele origin: germline.
Comment: This variant is classified as likely benign based on ACMG/AMP sequence variant interpretation guidelines (Richards et al. 2015 PMID: 25741868, with internal and published modifications).

NM_000298.6(PKLR):c.1518C>T (p.Val506=)

Gene: PKLR (pyruvate kinase L/R; minus strand). Cytogenetic location: 1q22.
Variant type: single nucleotide variant.
Coding change: c.1518C>T on transcript NM_000298.6 (MANE Select); coding-DNA position 1518, C replaced by T.
Protein change: p.Val506=; no amino-acid change (valine 506 retained).
Molecular consequence: synonymous variant.
Genome position (GRCh38, 1-based): chr1:155,291,856, G>A on the plus strand (C>T on the coding strand, the complement: PKLR is on the minus strand). VCF-style: chr1-155291856-G-A. GRCh37 (hg19) VCF-style: chr1-155261647-G-A.
Other names: c.1425C>T, p.Val475= (NM_181871.4).
Identifiers: ClinVar variation 3040706 (VCV003040706.2), dbSNP rs376065116, ClinGen allele CA1143974.
Genomic context (GRCh38, chr1:155,291,856, plus strand): 5'-TGCCCAGATGGCTTCTGGAGGTTCACGGTAAAGCAAGGGGAAGACTCCTCGGCATAAGTG[G>A]ACCTGGCGGGCAGCCTGGGCAGAGCGGGTGACAGCAATGACTGCTGCCCGAGGTCGGTAC-3'
Protein context (NP_000289.1, residues 496-516): VTRSAQAARQ[Val506=]HLCRGVFPLL